The following is an entry in ClinVar:

ClinVar aggregate classification (germline): Uncertain significance. Review status: criteria provided, multiple submitters, no conflicts (2 of 4 stars). 2 submissions from 2 submitters: Uncertain significance (2). Last evaluated 2026-01-19.

Conditions:
Diffuse cerebral and cerebellar atrophy - intractable seizures - progressive microcephaly syndrome. Also called: Microcephaly, progressive, with seizures and cerebral and cerebellar atrophy. Identifiers: Orphanet 404437, MedGen C4014239, MONDO:0014335, OMIM 615760.

Allele frequency attached by ClinVar (database versions not stated): gnomAD 0.00001; ExAC 0.00002; TOPMed 0.00002; gnomAD exomes 0.00003; ESP Exome Variant Server 0.00015.

Submissions (2):

Labcorp Genetics (formerly Invitae), Labcorp
Classification: Uncertain significance for Diffuse cerebral and cerebellar atrophy - intractable seizures - progressive microcephaly syndrome. Last evaluated: 2026-01-19. Review status: criteria provided, single submitter. Criteria: Invitae Variant Classification Sherloc (09022015). Collection method: clinical testing. Allele origin: germline.
Comment: This sequence change replaces arginine, which is basic and polar, with histidine, which is basic and polar, at codon 427 of the QARS protein (p.Arg427His). This variant is present in population databases (rs148004466, gnomAD 0.007%). This variant has not been reported in the literature in individuals affected with QARS-related conditions. ClinVar contains an entry for this variant (Variation ID: 850532). Invitae Evidence Modeling of protein sequence and biophysical properties (such as structural, functional, and spatial information, amino acid conservation, physicochemical variation, residue mobility, and thermodynamic stability) has been performed for this missense variant. However, the output from this modeling did not meet the statistical confidence thresholds required to predict the impact of this variant on QARS protein function. In summary, the available evidence is currently insufficient to determine the role of this variant in disease. Therefore, it has been classified as a Variant of Uncertain Significance.

GeneDx
Classification: Uncertain significance. Last evaluated: 2022-11-28. Review status: criteria provided, single submitter. Criteria: GeneDx Variant Classification Process June 2021. Collection method: clinical testing. Allele origin: germline. Affected: yes.
Comment: Not observed at a significant frequency in large population cohorts (gnomAD); In silico analysis supports that this missense variant has a deleterious effect on protein structure/function; Has not been previously published as pathogenic or benign to our knowledge; This variant is associated with the following publications: (PMID: 25471517)

NM_005051.3(QARS1):c.1280G>A (p.Arg427His)

Gene: QARS1 (glutaminyl-tRNA synthetase 1; minus strand). Cytogenetic location: 3p21.31.
Variant type: single nucleotide variant.
Coding change: c.1280G>A on transcript NM_005051.3 (MANE Select); coding-DNA position 1280, G replaced by A.
Protein change: p.Arg427His; replaces arginine 427 with histidine.
Molecular consequence: missense variant. On other transcripts: non-coding transcript variant (1).
Genome position (GRCh38, 1-based): chr3:49,099,976, C>T on the plus strand (G>A on the coding strand, the complement: QARS1 is on the minus strand). VCF-style: chr3-49099976-C-T. GRCh37 (hg19) VCF-style: chr3-49137409-C-T.
Other names: c.1247G>A, p.Arg416His (NM_001272073.2); short protein forms R416H, R427H.
Identifiers: ClinVar variation 850532 (VCV000850532.10), dbSNP rs148004466, ClinGen allele CA2391827.
Genomic context (GRCh38, chr3:49,099,976, plus strand): 5'-CGCCCTGCTCGGCAGCCCCACCACCCCACCCCATTCTACACCCACCATTTGTCCCCTGTG[C>T]GGTGGTGTGGTGTATACTTGACTCGATAGGCTACAGGGTCCATCTTGCCATCCTCCATCA-3'
Protein context (NP_005042.1, residues 417-437): AYRVKYTPHH[Arg427His]TGDKWCIYPT